The following is an entry in ClinVar:

ClinVar aggregate classification (germline): Uncertain significance. Review status: criteria provided, single submitter (1 of 4 stars). 2 submissions from 2 submitters: Uncertain significance (1). 1 of the submissions does not count toward it. Last evaluated 2016-10-30.

Conditions:
Tuberous sclerosis syndrome (TSC). Also called: Tuberous Sclerosis Complex; Tuberous sclerosis. Identifiers: Orphanet 805, MedGen C0041341, MONDO:0001734.
Tuberous sclerosis 1 (TSC1). Identifiers: Orphanet 805, MedGen C1854465, MONDO:0008612, OMIM 191100.

Submissions (2):

Labcorp Genetics (formerly Invitae), Labcorp
Classification: Uncertain significance for Tuberous sclerosis 1. Last evaluated: 2016-10-30. Review status: criteria provided, single submitter. Criteria: Invitae Variant Classification Sherloc (09022015). Collection method: clinical testing. Allele origin: germline.
Comment: This variant is not present in population databases (rs118203488, ExAC no frequency). This variant has been reported to segregate with very mild features of tuberous sclerosis complex in a single family (PMID: 20185476). ClinVar contains an entry for this variant (Variation ID: 48731). An experimental study has shown that this sequence change results in the insertion of 102 nucleotides into 60-80% of the mRNA transcripts derived from that allele, or 30-40% of all TSC1 mRNA (PMID: 20185476). In summary, this variant is a rare intronic change that partially disrupts RNA splicing. While it is absent from the population and reported in affected individuals, the available evidence is currently insufficient to determine its role in disease. Therefore, it has been classified as a Variant of Uncertain Significance. This sequence change falls in intron 10 of the TSC1 gene. It does not directly change the encoded amino acid sequence of the TSC1 protein.

Tuberous sclerosis database (TSC1)
No classification provided. Condition: TSC. Review status: no classification provided. Criteria: Tuberous Sclerosis Database Assertion Criteria 2015. Collection method: curation. Allele origin: germline. Affected: yes. Not counted in ClinVar's aggregate classification.

Literature cited by the submitters: PubMed 20185476 (cited by Labcorp Genetics (formerly Invitae), Labcorp).

NM_000368.5(TSC1):c.1030-3C>G

Gene: TSC1 (TSC complex subunit 1; minus strand). Cytogenetic location: 9q34.13.
Variant type: single nucleotide variant.
Coding change: c.1030-3C>G on transcript NM_000368.5 (MANE Select); 3 bases into the intron before coding-DNA position 1030, C replaced by G.
Molecular consequence: intron variant.
Genome position (GRCh38, 1-based): chr9:132,911,116, G>C on the plus strand (C>G on the coding strand, the complement: TSC1 is on the minus strand). VCF-style: chr9-132911116-G-C. GRCh37 (hg19) VCF-style: chr9-135786503-G-C.
Other names: c.667-3C>G (NM_001362177.2); c.877-3C>G (NM_001162427.2); c.1030-3C>G (NM_001162426.2).
Identifiers: ClinVar variation 48731 (VCV000048731.6), dbSNP rs118203488, ClinGen allele CA004332.